The following is an entry in ClinVar:

ClinVar aggregate classification (germline): Benign/Likely benign. Review status: criteria provided, multiple submitters, no conflicts (2 of 4 stars). 8 submissions from 8 submitters: Benign (2); Likely benign (5). 1 of the submissions does not count toward it. Last evaluated 2026-01-28.

Conditions:
Breast-ovarian cancer, familial, susceptibility to, 5 (BROVCA5). Identifiers: MedGen C5830615, MONDO:0957530, OMIM 620442.
Pancreatic cancer, susceptibility to, 3. Identifiers: Orphanet 1333, MedGen C3150547, MONDO:0013236, OMIM 613348.
Fanconi anemia complementation group N. Also called: PALB2-Related Fanconi Anemia. Identifiers: Orphanet 84, MedGen C1835817, MONDO:0012565, OMIM 610832. Disease mechanism: loss of function.
Hereditary cancer-predisposing syndrome. Also called: Tumor predisposition; Neoplastic Syndromes, Hereditary; Hereditary neoplastic syndrome; Hereditary Cancer Syndrome. Identifiers: Orphanet 140162, MedGen C0027672, MeSH D009386, MONDO:0015356.
Familial cancer of breast. Also called: BREAST CANCER, FAMILIAL; hereditary breast carcinoma; Hereditary breast cancer. Identifiers: Orphanet 227535, MedGen C0346153, MONDO:0016419, OMIM 114480. Disease mechanism: loss of function.

Allele frequency attached by ClinVar (database versions not stated): gnomAD exomes below 0.00001 and 0.00001; TOPMed below 0.00001; ExAC 0.00001.
gnomAD v4.1: 2 of 1,613,176 alleles (0.00012%); highest among the groups gnomAD compares: Non-Finnish European, 0.000085%; no homozygotes.

Submissions (8):

Labcorp Genetics (formerly Invitae), Labcorp
Classification: Likely benign for Familial cancer of breast. Last evaluated: 2026-01-28. Review status: criteria provided, single submitter. Criteria: Invitae Variant Classification Sherloc (09022015). Collection method: clinical testing. Allele origin: germline.

KCCC/NGS Laboratory, Kuwait Cancer Control Center
Classification: Benign for Breast-ovarian cancer, familial, susceptibility to, 5. Last evaluated: 2025-02-01. Review status: criteria provided, single submitter. Criteria: ACMG Guidelines, 2015. Collection method: clinical testing. Allele origin: germline. Affected: no.

Blueprint Genetics
Classification: Likely benign. Last evaluated: 2024-09-11. Review status: criteria provided, single submitter. Criteria: ACMG Guidelines, 2015. Collection method: clinical testing. Allele origin: germline.

Department of Pathology and Laboratory Medicine, Sinai Health System
Classification: Likely benign for Fanconi anemia complementation group N; Pancreatic cancer, susceptibility to, 3; Breast-ovarian cancer, familial, susceptibility to, 5. Last evaluated: 2024-06-12. Review status: criteria provided, single submitter. Criteria: ACMG Guidelines, 2015. Collection method: clinical testing. Allele origin: germline. Affected: yes.

Myriad Genetics, Inc.
Classification: Benign for Familial cancer of breast. Last evaluated: 2023-03-30. Review status: criteria provided, single submitter. Criteria: Myriad Autosomal Dominant, Autosomal Recessive and X-Linked Classification Criteria (2023). Collection method: clinical testing. Allele origin: unknown.
Comment: This variant is considered benign. This variant is a silent/synonymous amino acid change and it is not expected to impact splicing.

Color Diagnostics, LLC DBA Color Health
Classification: Likely benign for Hereditary cancer-predisposing syndrome. Last evaluated: 2017-02-22. Review status: criteria provided, single submitter. Criteria: ACMG Guidelines, 2015. Collection method: clinical testing. Allele origin: germline.

Ambry Genetics
Classification: Likely benign for Hereditary cancer-predisposing syndrome. Last evaluated: 2014-10-31. Review status: criteria provided, single submitter. Criteria: Ambry Variant Classification Scheme 2023. Collection method: clinical testing. Allele origin: germline.

Counsyl
Classification: Likely benign for Familial cancer of breast. Last evaluated: 2015-12-23. Review status: no assertion criteria provided. Collection method: clinical testing. Allele origin: unknown. Not counted in ClinVar's aggregate classification.

NM_024675.4(PALB2):c.993A>G (p.Glu331=)

Gene: PALB2 (partner and localizer of BRCA2; minus strand). Cytogenetic location: 16p12.2.
Variant type: single nucleotide variant.
Coding change: c.993A>G on transcript NM_024675.4 (MANE Select); coding-DNA position 993, A replaced by G.
Protein change: p.Glu331=; no amino-acid change (glutamic acid 331 retained).
Molecular consequence: synonymous variant.
Genome position (GRCh38, 1-based): chr16:23,635,553, T>C on the plus strand (A>G on the coding strand, the complement: PALB2 is on the minus strand). VCF-style: chr16-23635553-T-C. GRCh37 (hg19) VCF-style: chr16-23646874-T-C.
Identifiers: ClinVar variation 186886 (VCV000186886.24), dbSNP rs760362870, ClinGen allele CA196138.